The following is an entry in ClinVar:

NM_000168.6(GLI3):c.2520G>A (p.Met840Ile)

Gene: GLI3 (GLI family zinc finger 3; minus strand). Cytogenetic location: 7p14.1.
Variant type: single nucleotide variant.
Coding change: c.2520G>A on transcript NM_000168.6 (MANE Select); coding-DNA position 2520, G replaced by A.
Protein change: p.Met840Ile; replaces methionine 840 with isoleucine.
Molecular consequence: missense variant.
Genome position (GRCh38, 1-based): chr7:41,966,553, C>T on the plus strand (G>A on the coding strand, the complement: GLI3 is on the minus strand). VCF-style: chr7-41966553-C-T. GRCh37 (hg19) VCF-style: chr7-42006151-C-T.
Other names: c.2520G>A (NM_000168.5); short protein forms M840I.
Identifiers: ClinVar variation 1388744 (VCV001388744.12), dbSNP rs1283743237, ClinGen allele CA367320921.

ClinVar aggregate classification (germline): Uncertain significance. Review status: criteria provided, multiple submitters, no conflicts (2 of 4 stars). 4 submissions from 4 submitters: Uncertain significance (4). Last evaluated 2026-05-03.

Conditions:
Inborn genetic diseases. Identifiers: MedGen C0950123, MeSH D030342.
Greig cephalopolysyndactyly syndrome (GCPS). Also called: Greig syndrome; GLI3-Related Greig Cephalopolysyndactyly Syndrome; POLYSYNDACTYLY WITH PECULIAR SKULL SHAPE. Identifiers: Orphanet 380, MedGen C0265306, MONDO:0008287, OMIM 175700.
Pallister-Hall syndrome (PHS). Also called: HYPOTHALAMIC HAMARTOBLASTOMA, HYPOPITUITARISM, IMPERFORATE ANUS, AND POSTAXIAL POLYDACTYLY; GLI3-Related Pallister-Hall Syndrome. Identifiers: Orphanet 672, MedGen C0265220, MONDO:0007804, OMIM 146510.
GLI3-related disorder. Also called: GLI3-related condition; GLI3-related disorders. Identifiers: MedGen CN239292.
Polydactyly, postaxial, type A1. Identifiers: MedGen C4282400, MONDO:0008266, OMIM 174200.
Polysyndactyly 4. Also called: Polysyndactyly uncomplicated; Preaxial polydactyly 4. Identifiers: Orphanet 93338, MedGen C1868111, MONDO:0008272, OMIM 174700.

Allele frequency attached by ClinVar (database versions not stated): gnomAD exomes below 0.00001; gnomAD 0.00001; TOPMed 0.00008.

Submissions (4):

PreventionGenetics, part of Exact Sciences
Classification: Uncertain significance for GLI3-related condition. Last evaluated: 2026-05-03. Review status: criteria provided, single submitter. Criteria: ACMG Guidelines, 2015. Collection method: clinical testing. Allele origin: germline.
Comment: The GLI3 c.2520G>A variant is predicted to result in the amino acid substitution p.Met840Ile. To our knowledge, this variant has not been reported in the literature or in a large population database (gnomAD), indicating this variant is rare. At this time, the clinical significance of this variant is uncertain due to the absence of conclusive functional and genetic evidence.

Ambry Genetics
Classification: Uncertain significance for Inborn genetic diseases. Last evaluated: 2024-07-25. Review status: criteria provided, single submitter. Criteria: Ambry Variant Classification Scheme 2023. Collection method: clinical testing. Allele origin: germline.

Fulgent Genetics
Classification: Uncertain significance for Pallister-Hall syndrome; Polydactyly, postaxial, type A1; Polysyndactyly 4; Greig cephalopolysyndactyly syndrome. Last evaluated: 2024-04-23. Review status: criteria provided, single submitter. Criteria: ACMG Guidelines, 2015. Collection method: clinical testing. Allele origin: germline.

Labcorp Genetics (formerly Invitae), Labcorp
Classification: Uncertain significance for Pallister-Hall syndrome; Greig cephalopolysyndactyly syndrome. Last evaluated: 2023-03-17. Review status: criteria provided, single submitter. Criteria: Invitae Variant Classification Sherloc (09022015). Collection method: clinical testing. Allele origin: germline.
Comment: This sequence change replaces methionine, which is neutral and non-polar, with isoleucine, which is neutral and non-polar, at codon 840 of the GLI3 protein (p.Met840Ile). This variant is not present in population databases (gnomAD no frequency). This variant has not been reported in the literature in individuals affected with GLI3-related conditions. ClinVar contains an entry for this variant (Variation ID: 1388744). Advanced modeling of protein sequence and biophysical properties (such as structural, functional, and spatial information, amino acid conservation, physicochemical variation, residue mobility, and thermodynamic stability) performed at Invitae indicates that this missense variant is not expected to disrupt GLI3 protein function. In summary, the available evidence is currently insufficient to determine the role of this variant in disease. Therefore, it has been classified as a Variant of Uncertain Significance.